The following is an entry in ClinVar:

NM_000535.7(PMS2):c.2006+9T>A

Gene: PMS2 (PMS1 homolog 2, mismatch repair system component; minus strand). Cytogenetic location: 7p22.1.
Variant type: single nucleotide variant.
Coding change: c.2006+9T>A on transcript NM_000535.7 (MANE Select); 9 bases into the intron after coding-DNA position 2006, T replaced by A.
Molecular consequence: intron variant.
Genome position (GRCh38, 1-based): chr7:5,986,750, A>T on the plus strand (T>A on the coding strand, the complement: PMS2 is on the minus strand). VCF-style: chr7-5986750-A-T. GRCh37 (hg19) VCF-style: chr7-6026381-A-T.
Other names: c.1688+9T>A (NM_001322008.2, NM_001406883.1, NM_001406903.1 and 2 more transcripts); c.1697+9T>A (NM_001406881.1, NM_001406879.1, NM_001322015.2 and 5 more transcripts); c.1601+9T>A (NM_001406895.1, NM_001322004.2, NM_001406889.1 and 16 more transcripts); c.1235+9T>A (NM_001406911.1); c.1445+9T>A (NM_001322010.2, NM_001406906.1, NM_001406907.1); c.1532+9T>A (NM_001406902.1, NM_001406901.1); c.1493+9T>A (NM_001406904.1, NM_001406905.1); c.1433+9T>A (NM_001322013.2, NM_001406909.1); and 13 more.
Identifiers: ClinVar variation 3903716 (VCV003903716.1).
Genomic context (GRCh38, chr7:5,986,750, plus strand): 5'-TCAAAAAAATAAAAAATAAAAATAAAAATTTTAGATAAAAAGAGAAAAAGTAAAAAATTA[A>T]AACTTTACCTTATCTCTTTTCTTAGTTCATCTTCGGCTGCTTGATTTTCTCCAGGACAAA-3'

ClinVar aggregate classification (germline): Likely benign (1 of 4 stars; one submission).

Conditions:
Lynch syndrome 4 (LYNCH4). Also called: Colorectal cancer, hereditary nonpolyposis, type 4; Hereditary non-polyposis colorectal cancer, type 4. Identifiers: Orphanet 144, MedGen C1838333, MONDO:0013699, OMIM 614337. Disease mechanism: loss of function.

Submission:

Myriad Genetics, Inc.
Classification: Likely benign for Lynch syndrome 4. Last evaluated: 2025-02-03. Review status: criteria provided, single submitter. Criteria: Myriad Autosomal Dominant, Autosomal Recessive and X-Linked Classification Criteria (2023). Collection method: clinical testing. Allele origin: unknown.
Comment: This variant is considered likely benign. This variant is intronic and is not expected to impact mRNA splicing.